The following is an entry in ClinVar:

ClinVar aggregate classification (germline): Pathogenic/Likely pathogenic. Review status: criteria provided, multiple submitters, no conflicts (2 of 4 stars). 12 submissions from 12 submitters: Pathogenic (6); Likely pathogenic (1). 5 of the submissions do not count toward it. Last evaluated 2026-03-03.

Conditions:
RHO-related disorder. Also called: RHO-related condition.
Retinal dystrophy. Also called: Inherited retinal dystrophy. Identifiers: Orphanet 71862, MedGen C0854723, MeSH D058499, MONDO:0019118, HP:0000556.
Retinitis pigmentosa 4 (RP4). Also called: RETINITIS PIGMENTOSA, RHODOPSIN-RELATED. Identifiers: Orphanet 791, MedGen C3151001, MONDO:0013395, OMIM 613731.
Retinitis pigmentosa (RP). Identifiers: Orphanet 791, MedGen C0035334, MeSH D012174, MONDO:0019200, OMIM 268000. Inheritance: Autosomal dominant, autosomal recessive and X linked inheritance.

Allele frequency attached by ClinVar (database versions not stated): gnomAD exomes below 0.00001.
gnomAD v4.1: 2 of 1,614,168 alleles (0.00012%); highest among the groups gnomAD compares: Non-Finnish European, 0.00017%; no homozygotes.

Submissions (12):

GeneDx
Classification: Pathogenic. Last evaluated: 2026-03-03. Review status: criteria provided, single submitter. Criteria: GeneDx Variant Classification Process June 2021. Collection method: clinical testing. Allele origin: germline.
Comment: Published functional studies demonstrate a damaging effect with protein misfolding and impaired functional activity (PMID: 24106275); Not observed at significant frequency in large population cohorts (gnomAD); In silico analysis suggests that this missense variant does not alter protein structure/function; This variant is associated with the following publications: (PMID: 25485142, 24918165, 30538586, 25408095, 25698705, 31908405, 32531858, 21094163, 20697005, 23402891, 30390055, 19958124, 28753425, 31100078, 24520188, 27905547, 17653048, 18310263, 20164459, 25265376, 29847639, 8527802, 9483582, 30977563, 36460718, 36819107, 33749171, 38219857, 8353500, 24106275, 39676705)

Labcorp Genetics (formerly Invitae), Labcorp
Classification: Pathogenic. Last evaluated: 2025-10-12. Review status: criteria provided, single submitter. Criteria: Invitae Variant Classification Sherloc (09022015). Collection method: clinical testing. Allele origin: germline.
Comment: This sequence change replaces asparagine, which is neutral and polar, with serine, which is neutral and polar, at codon 15 of the RHO protein (p.Asn15Ser). This variant is not present in population databases (gnomAD no frequency). This missense change has been observed in individual(s) with autosomal dominant retinitis pigmentosa (PMID: 8353500, 9483582). It has also been observed to segregate with disease in related individuals. ClinVar contains an entry for this variant (Variation ID: 13042). Invitae Evidence Modeling of protein sequence and biophysical properties (such as structural, functional, and spatial information, amino acid conservation, physicochemical variation, residue mobility, and thermodynamic stability) indicates that this missense variant is expected to disrupt RHO protein function with a positive predictive value of 95%. Experimental studies have shown that this missense change affects RHO function (PMID: 31100078). Algorithms developed to predict the effect of sequence changes on RNA splicing suggest that this variant may create or strengthen a splice site. For these reasons, this variant has been classified as Pathogenic.

3billion
Classification: Pathogenic for Retinitis pigmentosa 4. Last evaluated: 2025-04-04. Review status: criteria provided, single submitter. Criteria: ACMG Guidelines, 2015. Collection method: clinical testing. Allele origin: germline. Affected: yes.
Comment: The variant is observed at an extremely low frequency in the gnomAD v4.1.0 dataset (total allele frequency: <0.001%). The variant is observed at an extremely low frequency in the gnomAD v4.1.0 dataset (total allele frequency: <0.001%). Predicted Consequence/Location: Missense variant. Missense changes are a common disease-causing mechanism. In silico tool predictions suggest damaging effect of the variant on gene or gene product [REVEL: 0.79 (>=0.6, sensitivity 0.68 and specificity 0.92); 3Cnet: 0.91 (> 0.75, sensitivity 0.96 and precision 0.92)]. The same nucleotide change resulting in the same amino acid change has been previously reported as pathogenic/likely pathogenic with strong evidence (ClinVar ID: VCV000013042 / PMID: 8353500). The variant is in trans with the other variant. Different missense changes at the same codon (p.Asn15Ile, p.Asn15Lys) have been reported as pathogenic/likely pathogenic with strong evidence (ClinVar ID: VCV000802004, VCV000872602, VCV001067776 / PMID: 30538586). Therefore, this variant is classified as Pathogenic according to the recommendation of ACMG/AMP guideline.

SingHealth Duke-NUS Institute of Precision Medicine
Classification: Pathogenic for Retinitis pigmentosa 4. Last evaluated: 2025-02-05. Review status: criteria provided, single submitter. Criteria: PRISM ACMG Classification Criteria. Collection method: clinical testing. Allele origin: germline. Affected: yes.
Comment: Variant is located in a mutational hotspot where >50% of variants are pathogenic (PM1). Homozygous allele count in gnomAD exomes and genomse are less than 0, and variant is not found in genomes (PM2). Other variats at this amino acid residue have been classified as pathogenic (PM5, p.Asn15Lys; p.Asn15Ile). REVEL score is 0.788 (PP3_mod). + Experimental studies have shown that this missense change affects RHO function (PS3, PMID: 31100078)

Blueprint Genetics
Classification: Pathogenic for RHO-related disorders. Last evaluated: 2023-05-05. Review status: criteria provided, single submitter. Criteria: ACMG Guidelines, 2015. Collection method: clinical testing. Allele origin: germline. Affected: yes. Observed: 5 variant alleles.

Centre for Genomic Medicine, Manchester, Central Manchester University Hospitals
Classification: Pathogenic for Retinitis pigmentosa 4. Last evaluated: 2020-09-01. Review status: criteria provided, single submitter. Criteria: ACMG Guidelines, 2015. Collection method: clinical testing. Allele origin: germline. Affected: yes. Observed: 3 heterozygotes.

Institute of Human Genetics, Univ. Regensburg, Univ. Regensburg
Classification: Likely pathogenic for Retinal dystrophy. Last evaluated: 2018-01-01. Review status: criteria provided, single submitter. Criteria: ACMG Guidelines, 2015. Collection method: clinical testing. Allele origin: germline. Affected: yes.

OMIM
Classification: Pathogenic for RETINITIS PIGMENTOSA 4. Last evaluated: 1993-11-01. Review status: no assertion criteria provided. Collection method: literature only. Allele origin: germline. Not counted in ClinVar's aggregate classification.

Clinical Genetics DNA and cytogenetics Diagnostics Lab, Erasmus MC, Erasmus Medical Center
Classification: Pathogenic. Review status: no assertion criteria provided. Collection method: clinical testing. Allele origin: germline. Affected: yes. Study: VKGL Data-share Consensus. Not counted in ClinVar's aggregate classification.

Clinical Genetics, Academic Medical Center
Classification: Pathogenic. Review status: no assertion criteria provided. Collection method: clinical testing. Allele origin: germline. Affected: yes. Study: VKGL Data-share Consensus. Not counted in ClinVar's aggregate classification.

Department of Ophthalmology and Visual Sciences Kyoto University
Classification: Pathogenic for Retinitis pigmentosa. Review status: no assertion criteria provided. Collection method: not provided. Allele origin: unknown. Not counted in ClinVar's aggregate classification.
ClinVar note: Converted during submission from pathogenic to Pathogenic.

Joint Genome Diagnostic Labs from Nijmegen and Maastricht, Radboudumc and MUMC+
Classification: Pathogenic. Review status: no assertion criteria provided. Collection method: clinical testing. Allele origin: germline. Affected: yes. Study: VKGL Data-share Consensus. Not counted in ClinVar's aggregate classification.

Literature cited by the submitters: PubMed 8353500 (cited by 4 submitters); PubMed 9483582 (cited by Labcorp Genetics (formerly Invitae), Labcorp); PubMed 31100078 (cited by 3 submitters); PubMed 30538586 (cited by 3billion); PubMed 21094163 (cited by Institute of Human Genetics, Univ. Regensburg, Univ. Regensburg); PubMed 24106275 (cited by Institute of Human Genetics, Univ. Regensburg, Univ. Regensburg); PubMed 29847639 (cited by Institute of Human Genetics, Univ. Regensburg, Univ. Regensburg); PubMed 31908405 (cited by Institute of Human Genetics, Univ. Regensburg, Univ. Regensburg); PubMed 30977563 (cited by Institute of Human Genetics, Univ. Regensburg, Univ. Regensburg); PubMed 32531858 (cited by Institute of Human Genetics, Univ. Regensburg, Univ. Regensburg); PubMed 33749171 (cited by Institute of Human Genetics, Univ. Regensburg, Univ. Regensburg); PubMed 36460718 (cited by Institute of Human Genetics, Univ. Regensburg, Univ. Regensburg); PubMed 36819107 (cited by Institute of Human Genetics, Univ. Regensburg, Univ. Regensburg); PubMed 8240107 (cited by OMIM).

NM_000539.3(RHO):c.44A>G (p.Asn15Ser)

Gene: RHO (rhodopsin; plus strand). Cytogenetic location: 3q22.1.
Variant type: single nucleotide variant.
Coding change: c.44A>G on transcript NM_000539.3 (MANE Select); coding-DNA position 44, A replaced by G.
Protein change: p.Asn15Ser; replaces asparagine 15 with serine.
Molecular consequence: missense variant.
Genome position (GRCh38, 1-based): chr3:129,528,777, A>G. VCF-style: chr3-129528777-A-G. GRCh37 (hg19) VCF-style: chr3-129247620-A-G.
Other names: short protein forms N15S.
Identifiers: ClinVar variation 13042 (VCV000013042.20), dbSNP rs104893786, ClinGen allele CA256685.